The following is an entry in ClinVar:

NM_006922.4(SCN3A):c.1034A>G (p.Gln345Arg)

Gene: SCN3A (sodium voltage-gated channel alpha subunit 3; minus strand). Cytogenetic location: 2q24.3.
Variant type: single nucleotide variant.
Coding change: c.1034A>G on transcript NM_006922.4 (MANE Select); coding-DNA position 1034, A replaced by G.
Protein change: p.Gln345Arg; replaces glutamine 345 with arginine.
Molecular consequence: missense variant.
Genome position (GRCh38, 1-based): chr2:165,155,901, T>C on the plus strand (A>G on the coding strand, the complement: SCN3A is on the minus strand). VCF-style: chr2-165155901-T-C. GRCh37 (hg19) VCF-style: chr2-166012411-T-C.
Other names: c.1034A>G, p.Gln345Arg (NM_001081676.2, NM_001081677.2); short protein forms Q345R.
Identifiers: ClinVar variation 4774978 (VCV004774978.1).
Genomic context (GRCh38, chr2:165,155,901, plus strand): 5'-CTTGTGTAGCCATAGTTGGGGTTTCGACCAGCCTTCACACAGATGTATCCTTCTGGACAC[T>C]GGCTATAAGAGAGAGAAATGGAGGTAGGGTCAGTTTAGAAATTACAGCAATTTCAATTTA-3'
Protein context (NP_008853.3, residues 335-355): LLCGNGSDAG[Gln345Arg]CPEGYICVKA

ClinVar aggregate classification (germline): Uncertain significance (1 of 4 stars; one submission).

Submission:

Labcorp Genetics (formerly Invitae), Labcorp
Classification: Uncertain significance. Last evaluated: 2026-01-28. Review status: criteria provided, single submitter. Criteria: Invitae Variant Classification Sherloc (09022015). Collection method: clinical testing. Allele origin: germline.
Comment: This sequence change replaces glutamine, which is neutral and polar, with arginine, which is basic and polar, at codon 345 of the SCN3A protein (p.Gln345Arg). This variant is not present in population databases (gnomAD no frequency). This variant has not been reported in the literature in individuals affected with SCN3A-related conditions. An algorithm developed to predict the effect of missense changes on protein structure and function (PolyPhen-2) suggests that this variant is likely to be disruptive. In summary, the available evidence is currently insufficient to determine the role of this variant in disease. Therefore, it has been classified as a Variant of Uncertain Significance.